The following is an entry in ClinVar:

ClinVar aggregate classification (germline): Uncertain significance. Review status: criteria provided, multiple submitters, no conflicts (2 of 4 stars). 2 submissions from 2 submitters: Uncertain significance (2). Last evaluated 2025-07-11.

Conditions:
Fanconi anemia (FA). Also called: Fanconi's anemia. Identifiers: Orphanet 84, MedGen C0015625, MeSH D005199, MONDO:0019391.
Inborn genetic diseases. Identifiers: MedGen C0950123, MeSH D030342.

Submissions (2):

Ambry Genetics
Classification: Uncertain significance for Inborn genetic diseases. Last evaluated: 2025-07-11. Review status: criteria provided, single submitter. Criteria: Ambry Variant Classification Scheme 2023. Collection method: clinical testing. Allele origin: germline.
Comment: The p.S1467P variant (also known as c.4399T>C), located in coding exon 17 of the FANCM gene, results from a T to C substitution at nucleotide position 4399. The serine at codon 1467 is replaced by proline, an amino acid with similar properties. This amino acid position is conserved. In addition, this alteration is predicted to be tolerated by in silico analysis. Based on the available evidence, the clinical significance of this variant remains unclear.

Labcorp Genetics (formerly Invitae), Labcorp
Classification: Uncertain significance for Fanconi anemia. Last evaluated: 2024-12-18. Review status: criteria provided, single submitter. Criteria: Invitae Variant Classification Sherloc (09022015). Collection method: clinical testing. Allele origin: germline.
Comment: This sequence change replaces serine, which is neutral and polar, with proline, which is neutral and non-polar, at codon 1467 of the FANCM protein (p.Ser1467Pro). This variant is not present in population databases (gnomAD no frequency). This variant has not been reported in the literature in individuals affected with FANCM-related conditions. An algorithm developed to predict the effect of missense changes on protein structure and function (PolyPhen-2) suggests that this variant is likely to be disruptive. In summary, the available evidence is currently insufficient to determine the role of this variant in disease. Therefore, it has been classified as a Variant of Uncertain Significance.

NM_020937.4(FANCM):c.4399T>C (p.Ser1467Pro)

Gene: FANCM (FA complementation group M; plus strand). Cytogenetic location: 14q21.2.
Variant type: single nucleotide variant.
Coding change: c.4399T>C on transcript NM_020937.4 (MANE Select); coding-DNA position 4399, T replaced by C.
Protein change: p.Ser1467Pro; replaces serine 1467 with proline.
Molecular consequence: missense variant.
Genome position (GRCh38, 1-based): chr14:45,183,786, T>C. VCF-style: chr14-45183786-T-C. GRCh37 (hg19) VCF-style: chr14-45652989-T-C.
Other names: c.4321T>C, p.Ser1441Pro (NM_001308133.2); short protein forms S1441P, S1467P.
Identifiers: ClinVar variation 3680432 (VCV003680432.3).